The following is an entry in ClinVar:

ClinVar aggregate classification (germline): Uncertain significance (1 of 4 stars; one submission).

Conditions:
DICER1-related tumor predisposition. Also called: DICER1-related pleuropulmonary blastoma cancer predisposition syndrome; DICER1 syndrome. Identifiers: Orphanet 284343, MedGen C3839822, MONDO:0100216.

Allele frequency attached by ClinVar (database versions not stated): gnomAD exomes below 0.00001.
gnomAD v4.1: 1 of 1,612,450 alleles (0.000062%); highest among the groups gnomAD compares: Non-Finnish European, 0.000085%; no homozygotes.

Submission:

Labcorp Genetics (formerly Invitae), Labcorp
Classification: Uncertain significance for DICER1-related tumor predisposition. Last evaluated: 2020-01-15. Review status: criteria provided, single submitter. Criteria: Invitae Variant Classification Sherloc (09022015). Collection method: clinical testing. Allele origin: germline.
Comment: This variant has not been reported in the literature in individuals with DICER1-related disease. In summary, the available evidence is currently insufficient to determine the role of this variant in disease. Therefore, it has been classified as a Variant of Uncertain Significance. Algorithms developed to predict the effect of missense changes on protein structure and function do not agree on the potential impact of this missense change (SIFT: "Deleterious"; PolyPhen-2: "Probably Damaging"; Align-GVGD: "Class C0"). This variant is not present in population databases (ExAC no frequency). This sequence change replaces lysine with glutamic acid at codon 580 of the DICER1 protein (p.Lys580Glu). The lysine residue is highly conserved and there is a small physicochemical difference between lysine and glutamic acid.

NM_177438.3(DICER1):c.1738A>G (p.Lys580Glu)

Gene: DICER1 (dicer 1, ribonuclease III; minus strand). Cytogenetic location: 14q32.13.
Variant type: single nucleotide variant.
Coding change: c.1738A>G on transcript NM_177438.3 (MANE Select); coding-DNA position 1738, A replaced by G.
Protein change: p.Lys580Glu; replaces lysine 580 with glutamic acid.
Molecular consequence: missense variant.
Genome position (GRCh38, 1-based): chr14:95,116,467, T>C on the plus strand (A>G on the coding strand, the complement: DICER1 is on the minus strand). VCF-style: chr14-95116467-T-C. GRCh37 (hg19) VCF-style: chr14-95582804-T-C.
Other names: c.1738A>G, p.Lys580Glu (NM_001195573.1, NM_001271282.3, NM_001291628.2 and 1 more transcripts); short protein forms K580E.
Identifiers: ClinVar variation 543581 (VCV000543581.10), dbSNP rs1555372824, ClinGen allele CA390884675.